The following is an entry in ClinVar:

ClinVar aggregate classification (germline): Pathogenic (1 of 4 stars; one submission).

Submission:

Labcorp Genetics (formerly Invitae), Labcorp
Classification: Pathogenic. Last evaluated: 2022-11-23. Review status: criteria provided, single submitter. Criteria: Invitae Variant Classification Sherloc (09022015). Collection method: clinical testing. Allele origin: germline.
Comment: For these reasons, this variant has been classified as Pathogenic. This sequence change creates a premature translational stop signal (p.Leu9Tyrfs*7) in the CFI gene. It is expected to result in an absent or disrupted protein product. Loss-of-function variants in CFI are known to be pathogenic (PMID: 15917334, 16621965, 19065647, 20016463, 22710145). This variant is not present in population databases (gnomAD no frequency). This variant has not been reported in the literature in individuals affected with CFI-related conditions.

Literature cited by the submitters: PubMed 15917334; PubMed 16621965; PubMed 19065647; PubMed 20016463; PubMed 22710145.

NM_000204.5(CFI):c.26del (p.Leu9fs)

Gene: CFI (complement factor I; minus strand). Cytogenetic location: 4q25.
Variant type: Deletion.
Coding change: c.26del on transcript NM_000204.5 (MANE Select); coding-DNA position 26, one base deleted (T; older notation c.26delT).
Protein change: p.Leu9fs; shifts the reading frame from leucine 9.
Molecular consequence: frameshift variant. On other transcripts: 5 prime UTR variant (1), non-coding transcript variant (3).
Genome position (GRCh38, 1-based): chr4:109,801,946, A deleted on the plus strand (T on the coding strand, the reverse complement: CFI is on the minus strand); the first of 2 consecutive A bases (chr4:109,801,946-109,801,947); deleting either gives the same sequence. VCF-style (leftmost placement, unchanged base first): chr4-109801945-TA-T. GRCh37 (hg19) VCF-style: chr4-110723101-TA-T.
Other names: c.26del, p.Leu9fs (NM_001375283.1, NM_001318057.2, NM_001331035.2 and 5 more transcripts); c.-159del (NM_001375284.1); short protein forms L9fs.
Identifiers: ClinVar variation 2030837 (VCV002030837.4), dbSNP rs2545548503, ClinGen allele CA2580071342.
Genomic context (GRCh38, chr4:109,801,945, plus strand): 5'-AATTGTTTGCATAAAGGTTGAATTACTTACCTTGCAAAACCTTAAGTGGAAGCACAGAAA[TA>T]ACAGGAAAACATGAAGAAGCTTCATGTTGGAGGTGTTCGGGGTCTTTGTCTCTGCTGAGA-3'